The following is an entry in ClinVar:

ClinVar aggregate classification (germline): Uncertain significance (1 of 4 stars; one submission).

Conditions:
Myofibrillar myopathy 5. Also called: Filaminopathy (type); FILAMINOPATHY, AUTOSOMAL DOMINANT. Identifiers: Orphanet 171445, MedGen C1836050, MONDO:0012289, OMIM 609524.
Distal myopathy with posterior leg and anterior hand involvement. Also called: WILLIAMS DISTAL MYOPATHY. Identifiers: Orphanet 63273, MedGen C3279722, MONDO:0013550, OMIM 614065.
Hypertrophic cardiomyopathy 26. Also called: Cardiomyopathy, familial hypertrophic, 26. Identifiers: Orphanet 75249, MedGen C4310749, MONDO:0014883, OMIM 617047.

Submission:

Labcorp Genetics (formerly Invitae), Labcorp
Classification: Uncertain significance for Distal myopathy with posterior leg and anterior hand involvement; Myofibrillar myopathy 5; Hypertrophic cardiomyopathy 26. Last evaluated: 2025-10-02. Review status: criteria provided, single submitter. Criteria: Invitae Variant Classification Sherloc (09022015). Collection method: clinical testing. Allele origin: germline.
Comment: This sequence change replaces valine, which is neutral and non-polar, with methionine, which is neutral and non-polar, at codon 1824 of the FLNC protein (p.Val1824Met). This variant is not present in population databases (gnomAD no frequency). This variant has not been reported in the literature in individuals affected with FLNC-related conditions. ClinVar contains an entry for this variant (Variation ID: 998847). Invitae Evidence Modeling of protein sequence and biophysical properties (such as structural, functional, and spatial information, amino acid conservation, physicochemical variation, residue mobility, and thermodynamic stability) has been performed for this missense variant. However, the output from this modeling did not meet the statistical confidence thresholds required to predict the impact of this variant on FLNC protein function. In summary, the available evidence is currently insufficient to determine the role of this variant in disease. Therefore, it has been classified as a Variant of Uncertain Significance.

NM_001458.5(FLNC):c.5470G>A (p.Val1824Met)

Genes: FLNC (filamin C; plus strand), FLNC-AS1 (FLNC antisense RNA 1; minus strand). Cytogenetic location: 7q32.1.
Variant type: single nucleotide variant.
Coding change: c.5470G>A on transcript NM_001458.5 (MANE Select); coding-DNA position 5470, G replaced by A.
Protein change: p.Val1824Met; replaces valine 1824 with methionine.
Molecular consequence: missense variant.
Genome position (GRCh38, 1-based): chr7:128,850,874, G>A. VCF-style: chr7-128850874-G-A. GRCh37 (hg19) VCF-style: chr7-128490928-G-A.
Other names: c.5371G>A, p.Val1791Met (NM_001127487.2); short protein forms V1791M, V1824M.
Identifiers: ClinVar variation 998847 (VCV000998847.7), dbSNP rs1808779198, ClinGen allele CA369206781.